The following is an entry in ClinVar:

NM_020975.6(RET):c.2802-4G>T

Gene: RET (ret proto-oncogene; plus strand). Cytogenetic location: 10q11.21.
Variant type: single nucleotide variant.
Coding change: c.2802-4G>T on transcript NM_020975.6 (MANE Select); 4 bases into the intron before coding-DNA position 2802, G replaced by T.
Molecular consequence: intron variant.
Genome position (GRCh38, 1-based): chr10:43,123,667, G>T. VCF-style: chr10-43123667-G-T. GRCh37 (hg19) VCF-style: chr10-43619115-G-T.
Other names: c.2802-4G>T (NM_020630.7, NM_001406743.1, NM_001406744.1 and 2 more transcripts); c.2667-4G>T (NM_001406765.1, NM_001406763.1); c.2406-4G>T (NM_001406772.1, NM_001406769.1); c.2364-4G>T (NM_001406773.1, NM_001406771.1); c.1905-4G>T (NM_001406782.1, NM_001406780.1, NM_001406779.1 and 1 more transcripts); c.1770-4G>T (NM_001406787.1); c.1785-4G>T (NM_001406785.1); c.2673-4G>T (NM_001406764.1, NM_001406762.1, NM_001406761.1); and 10 more.
Identifiers: ClinVar variation 241352 (VCV000241352.23), dbSNP rs878855061, ClinGen allele CA10582725.

ClinVar aggregate classification (germline): Likely benign. Review status: criteria provided, multiple submitters, no conflicts (2 of 4 stars). 7 submissions from 7 submitters: Likely benign (5). 2 of the submissions do not count toward it. Last evaluated 2025-12-08.

Conditions:
RET-related disorder. Also called: RET-related condition; RET-related disease; RET-related disorders.
Hereditary cancer-predisposing syndrome. Also called: Hereditary Cancer Syndrome; Tumor predisposition; Hereditary neoplastic syndrome; Neoplastic Syndromes, Hereditary. Identifiers: Orphanet 140162, MedGen C0027672, MeSH D009386, MONDO:0015356.
Multiple endocrine neoplasia, type 2 (MEN2). Identifiers: Orphanet 653, MedGen C4048306, MONDO:0019003. Disease mechanism: gain of function.
Multiple endocrine neoplasia type 2A. Also called: MULTIPLE ENDOCRINE NEOPLASIA, TYPE IIA; PTC SYNDROME; SIPPLE SYNDROME; MEN 2A; MEN-2A syndrome; Pheochromocytoma and amyloid producing medullary thyroid carcinoma. Identifiers: Orphanet 247698, Orphanet 653, MedGen C0025268, MeSH D018813, MONDO:0008234, OMIM 171400.

Allele frequency attached by ClinVar (database versions not stated): gnomAD exomes below 0.00001; TOPMed below 0.00001; gnomAD 0.00001.
gnomAD v4.1: 8 of 1,614,000 alleles (0.0005%); highest among the groups gnomAD compares: Admixed American, 0.0017%; no homozygotes.

Submissions (7):

Labcorp Genetics (formerly Invitae), Labcorp
Classification: Likely benign for Multiple endocrine neoplasia, type 2. Last evaluated: 2025-12-08. Review status: criteria provided, single submitter. Criteria: Invitae Variant Classification Sherloc (09022015). Collection method: clinical testing. Allele origin: germline.

All of Us Research Program, National Institutes of Health
Classification: Likely benign for Multiple endocrine neoplasia, type 2. Last evaluated: 2023-12-13. Review status: criteria provided, single submitter. Criteria: ACMG Guidelines, 2015. Collection method: clinical testing. Allele origin: germline. Inheritance: Autosomal dominant inheritance. Observed: 5 variant alleles, 5 heterozygotes.
Comment: This study involves interpretation of variants in research participants for the purpose of population health screening. Participant phenotype was not available at the time of variant classification. Additional details can be found in publication PMID: 35346344, PMCID: PMC8962531

Blueprint Genetics
Classification: Likely benign. Last evaluated: 2023-12-12. Review status: criteria provided, single submitter. Criteria: ACMG Guidelines, 2015. Collection method: clinical testing. Allele origin: germline.

Color Diagnostics, LLC DBA Color Health
Classification: Likely benign for Multiple endocrine neoplasia, type 2. Last evaluated: 2022-11-11. Review status: criteria provided, single submitter. Criteria: ACMG Guidelines, 2015. Collection method: clinical testing. Allele origin: germline.

Ambry Genetics
Classification: Likely benign for Hereditary cancer-predisposing syndrome. Last evaluated: 2022-03-24. Review status: criteria provided, single submitter. Criteria: Ambry Variant Classification Scheme 2023. Collection method: clinical testing. Allele origin: germline.

PreventionGenetics, part of Exact Sciences
Classification: Likely benign for RET-related condition. Last evaluated: 2022-04-18. Review status: no assertion criteria provided. Collection method: clinical testing. Allele origin: germline. Not counted in ClinVar's aggregate classification.
Comment: This variant is classified as likely benign based on ACMG/AMP sequence variant interpretation guidelines (Richards et al. 2015 PMID: 25741868, with internal and published modifications).

Counsyl
Classification: Likely benign for Multiple endocrine neoplasia type 2A. Last evaluated: 2017-05-01. Review status: no assertion criteria provided. Collection method: clinical testing. Allele origin: unknown. Not counted in ClinVar's aggregate classification.